The following is an entry in ClinVar:

ClinVar aggregate classification (germline): Conflicting classifications of pathogenicity. Review status: criteria provided, conflicting classifications (1 of 4 stars). 3 submissions from 3 submitters: Uncertain significance (1); Likely benign (2). Last evaluated 2026-02-02.

Conditions:
Hereditary spastic paraplegia 11. Also called: Spastic paraplegia, mental retardation and thin corpus callosum; Spastic Paraplegia 11; SPASTIC PARAPLEGIA, AUTOSOMAL RECESSIVE, COMPLICATED, WITH THIN CORPUS CALLOSUM; SPASTIC PARAPLEGIA, AUTOSOMAL RECESSIVE, WITH MENTAL IMPAIRMENT AND THIN CORPUS CALLOSUM; Nakamura Osame syndrome; Autosomal recessive hereditary spastic paraplegia, mental impairment, and thin corpus callosum. Identifiers: Orphanet 2822, MedGen C1858479, MONDO:0011445, OMIM 604360.

Allele frequency attached by ClinVar (database versions not stated): ExAC 0.00004; TOPMed 0.00005; gnomAD 0.00006 and 0.00007; gnomAD exomes 0.00007 and 0.00010; ESP Exome Variant Server 0.00008.
gnomAD v4.1: 154 of 1,613,592 alleles (0.0095%); highest among the groups gnomAD compares: Admixed American, 0.012%; no homozygotes.

Submissions (3):

Labcorp Genetics (formerly Invitae), Labcorp
Classification: Likely benign for Hereditary spastic paraplegia 11. Last evaluated: 2026-02-02. Review status: criteria provided, single submitter. Criteria: Invitae Variant Classification Sherloc (09022015). Collection method: clinical testing. Allele origin: germline.

CeGaT Center for Human Genetics Tuebingen
Classification: Likely benign. Last evaluated: 2025-12-01. Review status: criteria provided, single submitter. Criteria: CeGaT Center For Human Genetics Tuebingen Variant Classification Criteria Version 2. Collection method: clinical testing. Allele origin: germline. Affected: yes. Observed: 1 variant allele.
Comment: SPG11: BP4, BP7

Illumina Laboratory Services, Illumina
Classification: Uncertain significance for Hereditary spastic paraplegia 11. Last evaluated: 2018-01-13. Review status: criteria provided, single submitter. Criteria: ICSL Variant Classification Criteria 13 December 2019. Collection method: clinical testing. Allele origin: germline.

NM_025137.4(SPG11):c.2082C>T (p.Ser694=)

Gene: SPG11 (SPG11 vesicle trafficking associated, spatacsin; minus strand). Cytogenetic location: 15q21.1.
Variant type: single nucleotide variant.
Coding change: c.2082C>T on transcript NM_025137.4 (MANE Select); coding-DNA position 2082, C replaced by T.
Protein change: p.Ser694=; no amino-acid change (serine 694 retained).
Molecular consequence: synonymous variant.
Genome position (GRCh38, 1-based): chr15:44,626,493, G>A on the plus strand (C>T on the coding strand, the complement: SPG11 is on the minus strand). VCF-style: chr15-44626493-G-A. GRCh37 (hg19) VCF-style: chr15-44918691-G-A.
Other names: c.2082C>T, p.Ser694= (NM_001160227.2).
Identifiers: ClinVar variation 698863 (VCV000698863.20), dbSNP rs375179506, ClinGen allele CA7535345.